The following is an entry in ClinVar:

ClinVar aggregate classification (germline): Uncertain significance (1 of 4 stars; one submission).

Submission:

GeneDx
Classification: Uncertain significance. Last evaluated: 2019-07-29. Review status: criteria provided, single submitter. Criteria: GeneDx Variant Classification Process June 2021. Collection method: clinical testing. Allele origin: germline. Affected: yes.
Comment: Not observed in large population cohorts (Lek et al., 2016); The majority of missense variants in this gene are considered pathogenic (Stenson et al., 2014); In silico analysis, which includes protein predictors and evolutionary conservation, supports a deleterious effect; Has not been previously published as pathogenic or benign to our knowledge

NM_000284.4(PDHA1):c.559G>C (p.Asp187His)

Gene: PDHA1 (pyruvate dehydrogenase E1 subunit alpha 1; plus strand). Cytogenetic location: Xp22.12.
Variant type: single nucleotide variant.
Coding change: c.559G>C on transcript NM_000284.4 (MANE Select); coding-DNA position 559, G replaced by C.
Protein change: p.Asp187His; replaces aspartic acid 187 with histidine.
Molecular consequence: missense variant. On other transcripts: intron variant (1).
Genome position (GRCh38, 1-based): chrX:19,354,539, G>C. VCF-style: chrX-19354539-G-C. GRCh37 (hg19) VCF-style: chrX-19372657-G-C.
Other names: c.673G>C, p.Asp225His (NM_001173454.2); c.580G>C, p.Asp194His (NM_001173455.2); c.511-810G>C (NM_001173456.2); short protein forms D187H, D194H, D225H.
Identifiers: ClinVar variation 1307558 (VCV001307558.2), dbSNP rs2147179768, ClinGen allele CA412394043.